The following is an entry in ClinVar:

NM_001001888.4(VCX3B):c.474C>T (p.Ser158=)

Gene: VCX3B (variable charge X-linked 3B; plus strand). Cytogenetic location: Xp22.31.
Variant type: single nucleotide variant.
Coding change: c.474C>T on transcript NM_001001888.4 (MANE Select); coding-DNA position 474, C replaced by T.
Protein change: p.Ser158=; no amino-acid change (serine 158 retained).
Molecular consequence: synonymous variant.
Genome position (GRCh38, 1-based): chrX:8,466,116, C>T. VCF-style: chrX-8466116-C-T. GRCh37 (hg19) VCF-style: chrX-8434157-C-T.
Identifiers: ClinVar variation 2659935 (VCV002659935.24), dbSNP rs368855547, ClinGen allele CA10343306.

ClinVar aggregate classification (germline): Likely benign (1 of 4 stars; one submission).

Allele frequency attached by ClinVar (database versions not stated): ExAC 0.00002; gnomAD 0.00010.

Submission:

CeGaT Center for Human Genetics Tuebingen
Classification: Likely benign. Last evaluated: 2025-07-01. Review status: criteria provided, single submitter. Criteria: CeGaT Center For Human Genetics Tuebingen Variant Classification Criteria Version 2. Collection method: clinical testing. Allele origin: germline. Affected: yes. Observed: 5 variant alleles.
Comment: VCX3B: BP4, BP7